The following is an entry in ClinVar:

NM_000232.5(SGCB):c.653_654dup (p.Lys219Ter)

Gene: SGCB (sarcoglycan beta; minus strand). Cytogenetic location: 4q12.
Variant type: Microsatellite.
Coding change: c.653_654dup on transcript NM_000232.5 (MANE Select); coding-DNA positions 653 to 654, 2 bases duplicated (TA; older notation c.653_654dupTA).
Protein change: p.Lys219Ter; replaces lysine 219 with a stop codon.
Molecular consequence: nonsense. On other transcripts: frameshift variant (2).
Genome position (GRCh38, 1-based): chr4:52,028,067-52,028,068, TA duplicated on the plus strand (TA on the coding strand, the reverse complement: SGCB is on the minus strand); duplicating any 2 consecutive bases within chr4:52,028,067-52,028,071 gives the same sequence; the c. name uses the placement nearest the transcript's 3' end. VCF-style (leftmost placement, unchanged base first): chr4-52028066-T-TTA. GRCh37 (hg19) VCF-style: chr4-52894232-T-TTA.
Other names: c.650_651AT[3], p.Lys219Terfs (NM_000232.4); c.443_444dup, p.Lys149Ter (NM_001440519.1); c.356_357dup, p.Lys120Ter (NM_001440520.1); c.653_654dupTA (NM_000232.4); short protein forms K120*, K149*, K219*.
Identifiers: ClinVar variation 4817949 (VCV004817949.1).

ClinVar aggregate classification (germline): Likely pathogenic (1 of 4 stars; one submission).

Conditions:
Autosomal recessive limb-girdle muscular dystrophy type 2E (LGMDR4). Also called: MUSCULAR DYSTROPHY, LIMB-GIRDLE, AUTOSOMAL RECESSIVE 4. Identifiers: Orphanet 119, MedGen C1858593, MONDO:0011423, OMIM 604286. Disease mechanism: Affects gamma-sarcoglycan and also disrupts the integrity of the entire sarcoglycan complex..

Submission:

Natera, Inc.
Classification: Likely pathogenic for Limb-girdle muscular dystrophy type 2E. Last evaluated: 2025-10-13. Review status: criteria provided, single submitter. Criteria: Natera Variant Classification Schema (03/2026). Collection method: clinical testing. Allele origin: germline.
Comment: The c.653_654dupTA variant in SGCB is a frameshift variant predicted to shift the reading frame and introduce a stop codon. This variant is expected to result in nonsense mediated decay, truncation, or a dysfunctional protein product. This variant is rare in the general population with a frequency below the threshold expected for the associated phenotype(s). Given the available evidence, this variant is classified as Likely Pathogenic.